The following is an entry in ClinVar:

NM_012479.4(YWHAG):c.394C>T (p.Arg132Cys)

Gene: YWHAG (tyrosine 3-monooxygenase/tryptophan 5-monooxygenase activation protein gamma; minus strand). Cytogenetic location: 7q11.23.
Variant type: single nucleotide variant.
Coding change: c.394C>T on transcript NM_012479.4 (MANE Select); coding-DNA position 394, C replaced by T.
Protein change: p.Arg132Cys; replaces arginine 132 with cysteine.
Molecular consequence: missense variant.
Genome position (GRCh38, 1-based): chr7:76,329,927, G>A on the plus strand (C>T on the coding strand, the complement: YWHAG is on the minus strand). VCF-style: chr7-76329927-G-A. GRCh37 (hg19) VCF-style: chr7-75959244-G-A.
Other names: NM_012479.3:c.394C>T(p.Arg132Cys); short protein forms R132C.
Identifiers: ClinVar variation 438804 (VCV000438804.25), dbSNP rs1554616628, ClinGen allele CA367777361.

ClinVar aggregate classification (germline): Pathogenic/Likely pathogenic. Review status: criteria provided, multiple submitters, no conflicts (2 of 4 stars). 13 submissions from 13 submitters: Pathogenic (8); Likely pathogenic (1). 4 of the submissions do not count toward it. Last evaluated 2025-07-30.

Conditions:
Inborn genetic diseases. Identifiers: MedGen C0950123, MeSH D030342.
YWHAG-related disorder. Also called: YWHAG-related condition.
Developmental and epileptic encephalopathy, 56. Also called: EPILEPTIC ENCEPHALOPATHY, EARLY INFANTILE, 56. Identifiers: MedGen C4540034, MONDO:0033365, OMIM 617665.

Submissions (13):

3billion
Classification: Pathogenic for Developmental and epileptic encephalopathy, 56. Last evaluated: 2025-07-30. Review status: criteria provided, single submitter. Criteria: ACMG Guidelines, 2015. Collection method: clinical testing. Allele origin: germline. Affected: yes.
Comment: The variant is not observed in the gnomAD v4.1.0 dataset. Predicted Consequence/Location: Missense variant In silico tool predictions suggest damaging effect of the variant on gene or gene product [REVEL: 0.79 (>=0.6, sensitivity 0.68 and specificity 0.92)]. The same nucleotide change resulting in the same amino acid change has been previously reported as pathogenic/likely pathogenic with strong evidence (ClinVar ID: VCV000438804 /PMID: 28777935). The variant has been previously reported as assumed (i.e. paternity and maternity not confirmed) de novo in a similarly affected individual (PMID: 28777935). A different missense change at the same codon (p.Arg132His) has been reported as pathogenic/likely pathogenic with strong evidence (ClinVar ID: VCV000807723 /PMID: 33619735). Therefore, this variant is classified as Pathogenic according to the recommendation of ACMG/AMP guideline.

Labcorp Genetics (formerly Invitae), Labcorp
Classification: Pathogenic. Last evaluated: 2024-10-16. Review status: criteria provided, single submitter. Criteria: Invitae Variant Classification Sherloc (09022015). Collection method: clinical testing. Allele origin: germline.
Comment: This sequence change replaces arginine, which is basic and polar, with cysteine, which is neutral and slightly polar, at codon 132 of the YWHAG protein (p.Arg132Cys). This variant is not present in population databases (gnomAD no frequency). This missense change has been observed in individual(s) with clinical features of YWHAG-related conditions (PMID: 28777935, 31926053). In at least one individual the variant was observed to be de novo. ClinVar contains an entry for this variant (Variation ID: 438804). Invitae Evidence Modeling of protein sequence and biophysical properties (such as structural, functional, and spatial information, amino acid conservation, physicochemical variation, residue mobility, and thermodynamic stability) indicates that this missense variant is expected to disrupt YWHAG protein function with a positive predictive value of 80%. For these reasons, this variant has been classified as Pathogenic.

Ambry Genetics
Classification: Pathogenic for Inborn genetic diseases. Last evaluated: 2024-06-10. Review status: criteria provided, single submitter. Criteria: Ambry Variant Classification Scheme 2023. Collection method: clinical testing. Allele origin: germline.
Comment: The c.394C>T (p.R132C) alteration is located in exon 2 (coding exon 2) of the YWHAG gene. This alteration results from a C to T substitution at nucleotide position 394, causing the arginine (R) at amino acid position 132 to be replaced by a cysteine (C). This variant was not reported in population-based cohorts in the Genome Aggregation Database (gnomAD). This variant was reported de novo in multiple individuals with features consistent with YWHAG-related developmental and epileptic encephalopathy (Deciphering Developmental Disorders, 2017; Guella, 2017; Kanani, 2020; Cetica, 2024). This amino acid position is highly conserved in available vertebrate species. This missense alteration is located in a region that has a low rate of benign missense variation (Lek, 2016; Firth, 2009). This alteration is predicted to be deleterious by in silico analysis. Based on the available evidence, this alteration is classified as pathogenic.

GeneDx
Classification: Pathogenic. Last evaluated: 2023-06-15. Review status: criteria provided, single submitter. Criteria: GeneDx Variant Classification Process June 2021. Collection method: clinical testing. Allele origin: germline. Affected: yes.
Comment: Not observed at significant frequency in large population cohorts (gnomAD); In silico analysis supports that this missense variant has a deleterious effect on protein structure/function; This variant is associated with the following publications: (PMID: 33767733, 28777935, 28135719, 31164858, 33393734, 31926053, 33349918, 32725632, 31785789, 36243722, 35888005, 34915349, 33619735)

PreventionGenetics, part of Exact Sciences
Classification: Pathogenic for YWHAG-related condition. Last evaluated: 2023-02-28. Review status: criteria provided, single submitter. Criteria: ACMG Guidelines, 2015. Collection method: clinical testing. Allele origin: germline.
Comment: The YWHAG c.394C>T variant is predicted to result in the amino acid substitution p.Arg132Cys. This variant has been documented as a recurrent de novo variant in multiple individuals with early onset epileptic encephalopathy (See for example - Guella et al. 2017. PubMed ID: 28777935; Demos et al. 2019. PubMed ID: 31164858; Kanani et al. 2020. PubMed ID: 31926053). Additionally, a different missense variant affecting this amino acid (p.Arg132His) has been documented to be pathogenic (Brunet et al. 2021. PubMed ID: 33619735). This variant has not been reported in a large population database, indicating this variant is rare. This variant is interpreted as pathogenic.

Blueprint Genetics
Classification: Pathogenic for YWHAG-related disorders. Last evaluated: 2022-11-01. Review status: criteria provided, single submitter. Criteria: ACMG Guidelines, 2015. Collection method: clinical testing. Allele origin: germline. Affected: yes. Observed: 3 variant alleles.

Baylor Genetics
Classification: Pathogenic for Developmental and epileptic encephalopathy, 56. Last evaluated: 2019-12-10. Review status: criteria provided, single submitter. Criteria: ACMG Guidelines, 2015. Collection method: clinical testing. Allele origin: unknown. Affected: yes.
Comment: This variant was determined to be pathogenic according to ACMG Guidelines, 2015 [PMID:25741868].

Institute of Human Genetics, University of Leipzig Medical Center
Classification: Pathogenic for Developmental and epileptic encephalopathy, 56. Last evaluated: 2019-01-01. Review status: criteria provided, single submitter. Criteria: ACMG Guidelines, 2015. Collection method: clinical testing. Allele origin: unknown. Affected: yes.

SIB Swiss Institute of Bioinformatics
Classification: Likely pathogenic for Developmental and epileptic encephalopathy, 56. Last evaluated: 2018-04-16. Review status: criteria provided, single submitter. Criteria: ACMG Guidelines, 2015. Collection method: curation. Allele origin: germline.
Comment: This variant is interpreted as a Likely Pathogenic, for Epileptic encephalopathy, early infantile, 56, Autosomal Dominant inheritance. The following ACMG Tag(s) were applied: PP3 => Multiple lines of computational evidence support a deleterious effect on the gene or gene product. PM6 => Assumed de novo, but without confirmation of paternity and maternity (PMID:28777935). PM2 => Absent from controls (or at extremely low frequency if recessive) in Exome Sequencing Project, 1000 Genomes Project, or Exome Aggregation Consortium. PS4-Moderate => PS4 downgraded in strength to Moderate (PMID:28777935). PM1 => Located in a mutational hot spot and/or critical and well-established functional domain (e.g., active site of an enzyme) without benign variation (PMID:28777935).

Molecular Genetics laboratory, Necker Hospital
Classification: Pathogenic. Last evaluated: 2022-03-02. Review status: no assertion criteria provided. Collection method: clinical testing. Allele origin: de novo. Affected: yes. Not counted in ClinVar's aggregate classification.

OMIM
Classification: Pathogenic for DEVELOPMENTAL AND EPILEPTIC ENCEPHALOPATHY 56. Last evaluated: 2020-12-03. Review status: no assertion criteria provided. Collection method: literature only. Allele origin: germline. Not counted in ClinVar's aggregate classification.

Biochemical Molecular Genetic Laboratory, King Abdulaziz Medical City
Classification: Pathogenic for Developmental and epileptic encephalopathy, 56. Last evaluated: 2020-05-06. Review status: no assertion criteria provided. Collection method: clinical testing. Allele origin: germline. Affected: yes. Not counted in ClinVar's aggregate classification.

Cytogénomique, Hospices Civils de Lyon
Classification: Pathogenic for Developmental and epileptic encephalopathy, 56. Review status: no assertion criteria provided. Collection method: clinical testing. Allele origin: de novo. Inheritance: Autosomal dominant inheritance. Affected: yes. Not counted in ClinVar's aggregate classification.

Literature cited by the submitters: PubMed 28777935 (cited by 5 submitters); PubMed 33619735 (cited by 3billion); PubMed 31926053 (cited by Labcorp Genetics (formerly Invitae), Labcorp and Ambry Genetics); PubMed 28135719 (cited by Ambry Genetics); PubMed 38491959 (cited by Ambry Genetics).